The following is an entry in ClinVar:

ClinVar aggregate classification (germline): Conflicting classifications of pathogenicity. Review status: criteria provided, conflicting classifications (1 of 4 stars). 2 submissions from 2 submitters: Uncertain significance (1); Likely benign (1). Last evaluated 2024-11-05.

gnomAD v4.1: 2 of 1,579,922 alleles (0.00013%); highest among the groups gnomAD compares: Non-Finnish European, 0.00017%; no homozygotes.

Submissions (2):

Labcorp Genetics (formerly Invitae), Labcorp
Classification: Uncertain significance. Last evaluated: 2024-11-05. Review status: criteria provided, single submitter. Criteria: Invitae Variant Classification Sherloc (09022015). Collection method: clinical testing. Allele origin: germline.
Comment: This sequence change replaces isoleucine, which is neutral and non-polar, with valine, which is neutral and non-polar, at codon 272 of the ERBIN protein (p.Ile272Val). This variant is present in population databases (rs756303996, gnomAD 0.001%). This variant has not been reported in the literature in individuals affected with ERBIN-related conditions. ClinVar contains an entry for this variant (Variation ID: 2655495). An algorithm developed to predict the effect of missense changes on protein structure and function outputs the following: PolyPhen-2: "Benign". The valine amino acid residue is found in multiple mammalian species, which suggests that this missense change does not adversely affect protein function. In summary, the available evidence is currently insufficient to determine the role of this variant in disease. Therefore, it has been classified as a Variant of Uncertain Significance.

CeGaT Center for Human Genetics Tuebingen
Classification: Likely benign. Last evaluated: 2023-08-01. Review status: criteria provided, single submitter. Criteria: CeGaT Center For Human Genetics Tuebingen Variant Classification Criteria Version 2. Collection method: clinical testing. Allele origin: germline. Affected: yes. Observed: 1 variant allele.
Comment: ERBIN: BP4

NM_001253697.2(ERBIN):c.814A>G (p.Ile272Val)

Gene: ERBIN (erbb2 interacting protein; plus strand). Cytogenetic location: 5q12.3.
Variant type: single nucleotide variant.
Coding change: c.814A>G on transcript NM_001253697.2 (MANE Select); coding-DNA position 814, A replaced by G.
Protein change: p.Ile272Val; replaces isoleucine 272 with valine.
Molecular consequence: missense variant.
Genome position (GRCh38, 1-based): chr5:66,024,447, A>G. VCF-style: chr5-66024447-A-G. GRCh37 (hg19) VCF-style: chr5-65320275-A-G.
Other names: c.814A>G, p.Ile272Val (NM_001006600.3, NM_001253698.2, NM_001253699.2 and 2 more transcripts); short protein forms I272V.
Identifiers: ClinVar variation 2655495 (VCV002655495.26), dbSNP rs756303996, ClinGen allele CA3286042.